The following is an entry in ClinVar:

ClinVar aggregate classification (germline): Uncertain significance (1 of 4 stars; one submission).

Submission:

Ambry Genetics
Classification: Uncertain significance. Last evaluated: 2025-11-15. Review status: criteria provided, single submitter. Criteria: Ambry Variant Classification Scheme 2023. Collection method: clinical testing. Allele origin: germline.
Comment: The p.G667R variant (also known as c.1999G>A), located in coding exon 19 of the SRP72 gene, results from a G to A substitution at nucleotide position 1999. The glycine at codon 667 is replaced by arginine, an amino acid with dissimilar properties. This amino acid position is conserved. In addition, this alteration is predicted to be deleterious by in silico analysis. Based on the available evidence, the clinical significance of this variant remains unclear.

NM_006947.4(SRP72):c.1999G>A (p.Gly667Arg)

Gene: SRP72 (signal recognition particle 72; plus strand). Cytogenetic location: 4q12.
Variant type: single nucleotide variant.
Coding change: c.1999G>A on transcript NM_006947.4 (MANE Select); coding-DNA position 1999, G replaced by A.
Protein change: p.Gly667Arg; replaces glycine 667 with arginine.
Molecular consequence: missense variant. On other transcripts: non-coding transcript variant (1).
Genome position (GRCh38, 1-based): chr4:56,501,844, G>A. VCF-style: chr4-56501844-G-A. GRCh37 (hg19) VCF-style: chr4-57368010-G-A.
Other names: c.1816G>A, p.Gly606Arg (NM_001267722.2); short protein forms G606R, G667R.
Identifiers: ClinVar variation 4589625 (VCV004589625.1).